The following is an entry in ClinVar:

ClinVar aggregate classification (germline): Uncertain significance (1 of 4 stars; one submission).

Conditions:
Hereditary cancer-predisposing syndrome. Also called: Neoplastic Syndromes, Hereditary; Tumor predisposition; Hereditary Cancer Syndrome; Hereditary neoplastic syndrome. Identifiers: Orphanet 140162, MedGen C0027672, MeSH D009386, MONDO:0015356.

Allele frequency attached by ClinVar (database versions not stated): gnomAD exomes below 0.00001.

Submission:

Ambry Genetics
Classification: Uncertain significance for Hereditary cancer-predisposing syndrome. Last evaluated: 2025-07-14. Review status: criteria provided, single submitter. Criteria: Ambry Variant Classification Scheme 2023. Collection method: clinical testing. Allele origin: germline.
Comment: The p.M102V variant (also known as c.304A>G), located in coding exon 2 of the NTHL1 gene, results from an A to G substitution at nucleotide position 304. The methionine at codon 102 is replaced by valine, an amino acid with highly similar properties. This amino acid position is conserved. In addition, this alteration is predicted to be deleterious by in silico analysis. Since supporting evidence is limited at this time, the clinical significance of this alteration remains unclear.

NM_002528.7(NTHL1):c.280A>G (p.Met94Val)

Gene: NTHL1 (nth like DNA glycosylase 1; minus strand). Cytogenetic location: 16p13.3.
Variant type: single nucleotide variant.
Coding change: c.280A>G on transcript NM_002528.7 (MANE Select); coding-DNA position 280, A replaced by G.
Protein change: p.Met94Val; replaces methionine 94 with valine.
Molecular consequence: missense variant. On other transcripts: intron variant (1).
Genome position (GRCh38, 1-based): chr16:2,046,202, T>C on the plus strand (A>G on the coding strand, the complement: NTHL1 is on the minus strand). VCF-style: chr16-2046202-T-C. GRCh37 (hg19) VCF-style: chr16-2096203-T-C.
Other names: c.280A>G, p.Met94Val (NM_001318193.2); c.24+78A>G (NM_001318194.2); short protein forms M94V.
Identifiers: ClinVar variation 1799232 (VCV001799232.3), dbSNP rs74624206, ClinGen allele CA394295734.
Genomic context (GRCh38, chr16:2,046,202, plus strand): 5'-TGGAGTCATAGCAGTGCTCAGTCCCCAGATGGTCCACAGGTGCATCCTTTTTGTTCCTCA[T>C]GGCACGGATGTTGACCAGCTGTTGCTGCCAGTCCTGGGGCTCCCAGACTGGCACCTTGAG-3'
Protein context (NP_002519.2, residues 84-104): WQQQLVNIRA[Met94Val]RNKKDAPVDH